The following is an entry in ClinVar:

NM_021120.4(DLG3):c.1382T>C (p.Ile461Thr)

Genes: DLG3 (discs large MAGUK scaffold protein 3; plus strand), DLG3-AS1 (DLG3 antisense RNA 1; minus strand). Cytogenetic location: Xq13.1.
Variant type: single nucleotide variant.
Coding change: c.1382T>C on transcript NM_021120.4 (MANE Select); coding-DNA position 1382, T replaced by C.
Protein change: p.Ile461Thr; replaces isoleucine 461 with threonine.
Molecular consequence: missense variant.
Genome position (GRCh38, 1-based): chrX:70,454,293, T>C. VCF-style: chrX-70454293-T-C. GRCh37 (hg19) VCF-style: chrX-69674143-T-C.
Other names: c.371T>C, p.Ile124Thr (NM_020730.3); short protein forms I124T, I461T.
Identifiers: ClinVar variation 3767446 (VCV003767446.1).

ClinVar aggregate classification (germline): Uncertain significance (1 of 4 stars; one submission).

gnomAD v4.1: 1 of 1,210,722 alleles (0.000083%); highest among the groups gnomAD compares: Non-Finnish European, 0.00011%; no homozygotes.

Submission:

GeneDx
Classification: Uncertain significance. Last evaluated: 2024-09-06. Review status: criteria provided, single submitter. Criteria: GeneDx Variant Classification Process June 2021. Collection method: clinical testing. Allele origin: germline. Affected: yes.
Comment: In silico analysis supports that this missense variant has a deleterious effect on protein structure/function; Has not been previously published as pathogenic or benign to our knowledge